The following is an entry in ClinVar:

NM_001365715.1(LRCH3):c.1519G>A (p.Asp507Asn)

Gene: LRCH3 (leucine rich repeats and calponin homology domain containing 3; plus strand). Cytogenetic location: 3q29.
Variant type: single nucleotide variant.
Coding change: c.1519G>A on transcript NM_001365715.1 (MANE Select); coding-DNA position 1519, G replaced by A.
Protein change: p.Asp507Asn; replaces aspartic acid 507 with asparagine.
Molecular consequence: missense variant. On other transcripts: non-coding transcript variant (1).
Genome position (GRCh38, 1-based): chr3:197,848,010, G>A. VCF-style: chr3-197848010-G-A. GRCh37 (hg19) VCF-style: chr3-197574881-G-A.
Other names: c.1519G>A (NM_032773.2); c.1519G>A, p.Asp507Asn (NM_001363887.1, NM_001365716.1, NM_001365717.1 and 3 more transcripts); short protein forms D507N.
Identifiers: ClinVar variation 3058745 (VCV003058745.3), dbSNP rs35713063, ClinGen allele CA2788371.

ClinVar aggregate classification (germline): Uncertain significance. Review status: criteria provided, single submitter (1 of 4 stars). 2 submissions from 2 submitters: Uncertain significance (1). 1 of the submissions does not count toward it. Last evaluated 2025-11-20.

Conditions:
LRCH3-related disorder. Also called: LRCH3-related condition.

Allele frequency attached by ClinVar (database versions not stated): 1000 Genomes Project 30x 0.00047; ExAC 0.00034; gnomAD 0.00127; 1000 Genomes Project 0.00060; ESP Exome Variant Server 0.00146.
gnomAD v4.1: 362 of 1,614,070 alleles (0.022%); highest among the groups gnomAD compares: African/African-American, 0.45%; no homozygotes.

Submissions (2):

Ambry Genetics
Classification: Uncertain significance. Last evaluated: 2025-11-20. Review status: criteria provided, single submitter. Criteria: Ambry Variant Classification Scheme 2023. Collection method: clinical testing. Allele origin: germline.

PreventionGenetics, part of Exact Sciences
Classification: Likely benign for LRCH3-related condition. Last evaluated: 2022-08-10. Review status: no assertion criteria provided. Collection method: clinical testing. Allele origin: germline. Not counted in ClinVar's aggregate classification.
Comment: This variant is classified as likely benign based on ACMG/AMP sequence variant interpretation guidelines (Richards et al. 2015 PMID: 25741868, with internal and published modifications).